The following is an entry in ClinVar:

ClinVar aggregate classification (germline): Conflicting classifications of pathogenicity. Review status: criteria provided, conflicting classifications (1 of 4 stars). 2 submissions from 2 submitters: Uncertain significance (1); Likely benign (1). Last evaluated 2023-12-19.

Allele frequency attached by ClinVar (database versions not stated): TOPMed below 0.00001; gnomAD 0.00001; gnomAD exomes 0.00001.
gnomAD v4.1: 11 of 1,612,418 alleles (0.00068%); highest among the groups gnomAD compares: Middle Eastern, 0.016%; no homozygotes.

Submissions (2):

Blueprint Genetics
Classification: Likely benign. Last evaluated: 2023-12-19. Review status: criteria provided, single submitter. Criteria: ACMG Guidelines, 2015. Collection method: clinical testing. Allele origin: germline.

Labcorp Genetics (formerly Invitae), Labcorp
Classification: Uncertain significance. Last evaluated: 2021-08-11. Review status: criteria provided, single submitter. Criteria: Invitae Variant Classification Sherloc (09022015). Collection method: clinical testing. Allele origin: germline.
Comment: This sequence change falls in intron 36 of the TTC37 gene. It does not directly change the encoded amino acid sequence of the TTC37 protein. It affects a nucleotide within the consensus splice site of the intron. This variant is not present in population databases (ExAC no frequency). This variant has not been reported in the literature in individuals with TTC37-related conditions. Nucleotide substitutions within the consensus splice site are a relatively common cause of aberrant splicing (PMID: 17576681, 9536098). Algorithms developed to predict the effect of sequence changes on RNA splicing suggest that this variant may create or strengthen a splice site, but this prediction has not been confirmed by published transcriptional studies. In summary, the available evidence is currently insufficient to determine the role of this variant in disease. Therefore, it has been classified as a Variant of Uncertain Significance.

Literature cited by the submitters: PubMed 17576681 (cited by Labcorp Genetics (formerly Invitae), Labcorp); PubMed 9536098 (cited by Labcorp Genetics (formerly Invitae), Labcorp).

NM_014639.4(SKIC3):c.3802+5A>G

Gene: SKIC3 (SKI3 subunit of superkiller complex; minus strand). Cytogenetic location: 5q15.
Variant type: single nucleotide variant.
Coding change: c.3802+5A>G on transcript NM_014639.4 (MANE Select); 5 bases into the intron after coding-DNA position 3802, A replaced by G.
Molecular consequence: intron variant.
Genome position (GRCh38, 1-based): chr5:95,494,677, T>C on the plus strand (A>G on the coding strand, the complement: SKIC3 is on the minus strand). VCF-style: chr5-95494677-T-C. GRCh37 (hg19) VCF-style: chr5-94830381-T-C.
Identifiers: ClinVar variation 1358702 (VCV001358702.4), dbSNP rs934570747, ClinGen allele CA122829762.